The following is an entry in ClinVar:

ClinVar aggregate classification (germline): Conflicting classifications of pathogenicity. Review status: criteria provided, conflicting classifications (1 of 4 stars). 4 submissions from 4 submitters: Likely pathogenic (1); Uncertain significance (3). Last evaluated 2025-12-11.

Conditions:
Hypophosphatasia. Also called: Phosphoethanol-aminuria. Identifiers: Orphanet 436, MedGen C0020630, MeSH D007014, MONDO:0018570.
Adult hypophosphatasia. Identifiers: Orphanet 247676, Orphanet 436, MedGen C0268413, MONDO:1010154, OMIM 146300, MONDO:0007798.
Childhood hypophosphatasia. Identifiers: Orphanet 247667, Orphanet 436, MedGen C0220743, MONDO:1010168, OMIM 241510, MONDO:0009428.
Infantile hypophosphatasia. Identifiers: Orphanet 247651, Orphanet 436, MedGen C0268412, MONDO:1010169, OMIM 241500, MONDO:0009427.

gnomAD v4.1: 9 of 1,607,796 alleles (0.00056%); highest among the groups gnomAD compares: African/African-American, 0.004%; no homozygotes.

Submissions (4):

JKU Lab, Dept of Paediatrics, Johannes Kepler University
Classification: Uncertain significance for Hypophosphatasia. Last evaluated: 2025-12-11. Review status: criteria provided, single submitter. Criteria: ACMG Guidelines, 2015. Collection method: curation, in vitro. Allele origin: germline, not applicable. Affected: yes. Functional consequence: function uncertain.
Comment: This missense variant is present in GnomAD 4.1(f = 0.00004004 in the African/African American population) and affects a highly conserved amino acid, not in the active site domain. The variant is predicted to affect protein function (REVEL score: 0.77). Splice-prediction algorithms predict no effect on splicing. In vitro functional studies showed normal ALP activity. This variant has been reported in the literature in individuals affected by ALPL-related conditions (PMID:38310522). The results of the functional testing and the applied ACMG criteria can be viewed at an online resource

Genomenon, Inc
Classification: Likely pathogenic for Hypophosphatasia. Last evaluated: 2025-08-29. Review status: criteria provided, single submitter. Criteria: Genomenon Sequence Variant Interpretation Standards. Collection method: curation. Allele origin: germline. Affected: yes.
Comment: ALPL Val483Met (c.1447G>A) is a missense variant that changes the amino acid at residue 483 from Valine to Methionine. This variant has been observed in at least one proband affected with hypophosphatasia (PMID:36361766). It is absent or not present at a significant frequency in gnomAD. In silico models agree that this variant is possibly or probably damaging. In conclusion, we classify ALPL p.Val483Met (c.1447G>A) as a likely pathogenic variant.

Labcorp Genetics (formerly Invitae), Labcorp
Classification: Uncertain significance. Last evaluated: 2025-07-13. Review status: criteria provided, single submitter. Criteria: Invitae Variant Classification Sherloc (09022015). Collection method: clinical testing. Allele origin: germline.
Comment: This sequence change replaces valine, which is neutral and non-polar, with methionine, which is neutral and non-polar, at codon 483 of the ALPL protein (p.Val483Met). This variant is present in population databases (no rsID available, gnomAD 0.01%). This missense change has been observed in individual(s) with clinical features of autosomal recessive hypophosphatasia (PMID: 36361766). ClinVar contains an entry for this variant (Variation ID: 3580431). Invitae Evidence Modeling of protein sequence and biophysical properties (such as structural, functional, and spatial information, amino acid conservation, physicochemical variation, residue mobility, and thermodynamic stability) indicates that this missense variant is expected to disrupt ALPL protein function with a positive predictive value of 95%. In summary, the available evidence is currently insufficient to determine the role of this variant in disease. Therefore, it has been classified as a Variant of Uncertain Significance.

Fulgent Genetics
Classification: Uncertain significance for Adult hypophosphatasia; Infantile hypophosphatasia; Childhood hypophosphatasia. Last evaluated: 2024-06-17. Review status: criteria provided, single submitter. Criteria: ACMG Guidelines, 2015. Collection method: clinical testing. Allele origin: germline.

Literature cited by the submitters: PubMed 39519277 (cited by JKU Lab, Dept of Paediatrics, Johannes Kepler University); PubMed 36361766 (cited by Genomenon, Inc and Labcorp Genetics (formerly Invitae), Labcorp).

NM_000478.6(ALPL):c.1447G>A (p.Val483Met)

Gene: ALPL (alkaline phosphatase, biomineralization associated; plus strand). Cytogenetic location: 1p36.12.
Variant type: single nucleotide variant.
Coding change: c.1447G>A on transcript NM_000478.6 (MANE Select); coding-DNA position 1447, G replaced by A.
Protein change: p.Val483Met; replaces valine 483 with methionine.
Molecular consequence: missense variant.
Genome position (GRCh38, 1-based): chr1:21,577,520, G>A. VCF-style: chr1-21577520-G-A. GRCh37 (hg19) VCF-style: chr1-21904013-G-A.
Other names: c.1282G>A, p.Val428Met (NM_001127501.4); c.1216G>A, p.Val406Met (NM_001177520.3); c.1447G>A, p.Val483Met (NM_001369803.2, NM_001369804.2, NM_001369805.2); short protein forms V483M, V428M, V406M.
Identifiers: ClinVar variation 3580431 (VCV003580431.5).